The following is an entry in ClinVar:

NM_153240.5(NPHP3):c.1576C>T (p.Leu526Phe)

Genes: NPHP3 (nephrocystin 3; minus strand), NPHP3-ACAD11 (NPHP3-ACAD11 readthrough (NMD candidate); minus strand). Cytogenetic location: 3q22.1.
Variant type: single nucleotide variant.
Coding change: c.1576C>T on transcript NM_153240.5 (MANE Select); coding-DNA position 1576, C replaced by T.
Protein change: p.Leu526Phe; replaces leucine 526 with phenylalanine.
Molecular consequence: missense variant. On other transcripts: non-coding transcript variant (1).
Genome position (GRCh38, 1-based): chr3:132,701,482, G>A on the plus strand (C>T on the coding strand, the complement: NPHP3 is on the minus strand). VCF-style: chr3-132701482-G-A. GRCh37 (hg19) VCF-style: chr3-132420326-G-A.
Other names: short protein forms L526F.
Identifiers: ClinVar variation 4979663 (VCV004979663.1).

ClinVar aggregate classification (germline): Uncertain significance (1 of 4 stars; one submission).

Conditions:
NPHP3-related disorder. Also called: NPHP3-related disorders; NPHP3-related condition. Identifiers: MedGen CN379163.

gnomAD v4.1: 7 of 1,613,766 alleles (0.00043%); highest among the groups gnomAD compares: African/African-American, 0.008%; no homozygotes.

Submission:

PreventionGenetics, part of Exact Sciences
Classification: Uncertain significance for NPHP3-related condition. Last evaluated: 2025-11-04. Review status: criteria provided, single submitter. Criteria: ACMG Guidelines, 2015. Collection method: clinical testing. Allele origin: germline.
Comment: The NPHP3 c.1576C>T variant is predicted to result in the amino acid substitution p.Leu526Phe. To our knowledge, this variant has not been reported in the literature. This variant is reported in 0.018% of alleles in individuals of African descent in gnomAD. At this time, the clinical significance of this variant is uncertain due to the absence of conclusive functional and genetic evidence.